The following is an entry in ClinVar:

NM_001291415.2(KDM6A):c.643T>C (p.Tyr215His)

Gene: KDM6A (lysine demethylase 6A; plus strand). Cytogenetic location: Xp11.3.
Variant type: single nucleotide variant.
Coding change: c.643T>C on transcript NM_001291415.2 (MANE Select); coding-DNA position 643, T replaced by C.
Protein change: p.Tyr215His; replaces tyrosine 215 with histidine.
Molecular consequence: missense variant. On other transcripts: 5 prime UTR variant (1), non-coding transcript variant (1).
Genome position (GRCh38, 1-based): chrX:45,037,678, T>C. VCF-style: chrX-45037678-T-C. GRCh37 (hg19) VCF-style: chrX-44896923-T-C.
Other names: c.643T>C, p.Tyr215His (NM_001291416.2, NM_001291417.2, NM_001291418.2 and 1 more transcripts); c.-111T>C (NM_001291421.2); c.643T>C (NM_021140.3); short protein forms Y215H.
Identifiers: ClinVar variation 1304694 (VCV001304694.14), dbSNP rs1402339766, ClinGen allele CA412773968.
Genomic context (GRCh38, chrX:45,037,678, plus strand): 5'-TGTTACTGATTTTTTTGTCTTTCCTCATCCTTTGCAGTTCAATTTCACATTGCCCACTTA[T>C]ATGAAACCCAGGTAAGTATTTTAACTTATTCTATTTAAAACAAAAGCAAACAAAAATCAT-3'
Protein context (NP_001278344.1, residues 205-225): AEIQFHIAHL[Tyr215His]ETQRKYHSAK

ClinVar aggregate classification (germline): Conflicting classifications of pathogenicity. Review status: criteria provided, conflicting classifications (1 of 4 stars). 5 submissions from 5 submitters: Uncertain significance (4); Likely benign (1). Last evaluated 2026-05-01.

Conditions:
Kabuki syndrome 2 (KABUK2). Also called: KDM6A-Related Kabuki Syndrome. Identifiers: Orphanet 2322, MedGen C3275495, MONDO:0010465, OMIM 300867.

Allele frequency attached by ClinVar (database versions not stated): gnomAD exomes 0.00001 and 0.00002; TOPMed 0.00001.
gnomAD v4.1: 16 of 1,200,981 alleles (0.0013%); highest among the groups gnomAD compares: Admixed American, 0.011%; no homozygotes.

Submissions (5):

CeGaT Center for Human Genetics Tuebingen
Classification: Likely benign. Last evaluated: 2026-05-01. Review status: criteria provided, single submitter. Criteria: CeGaT Center For Human Genetics Tuebingen Variant Classification Criteria Version 2. Collection method: clinical testing. Allele origin: germline. Affected: yes. Observed: 1 variant allele.
Comment: KDM6A: BS2

Labcorp Genetics (formerly Invitae), Labcorp
Classification: Uncertain significance for Kabuki syndrome 2. Last evaluated: 2026-02-01. Review status: criteria provided, single submitter. Criteria: Invitae Variant Classification Sherloc (09022015). Collection method: clinical testing. Allele origin: germline.
Comment: This sequence change replaces tyrosine, which is neutral and polar, with histidine, which is basic and polar, at codon 215 of the KDM6A protein (p.Tyr215His). This variant is present in population databases (no rsID available, gnomAD 0.007%), including at least one homozygous and/or hemizygous individual. This variant has not been reported in the literature in individuals affected with KDM6A-related conditions. ClinVar contains an entry for this variant (Variation ID: 1304694). Invitae Evidence Modeling of protein sequence and biophysical properties (such as structural, functional, and spatial information, amino acid conservation, physicochemical variation, residue mobility, and thermodynamic stability) has been performed for this missense variant. However, the output from this modeling did not meet the statistical confidence thresholds required to predict the impact of this variant on KDM6A protein function. In summary, the available evidence is currently insufficient to determine the role of this variant in disease. Therefore, it has been classified as a Variant of Uncertain Significance.

Women's Health and Genetics/Laboratory Corporation of America, LabCorp
Classification: Uncertain significance. Last evaluated: 2024-09-04. Review status: criteria provided, single submitter. Criteria: LabCorp Variant Classification Summary - May 2015. Collection method: clinical testing. Allele origin: germline.
Comment: Variant summary: KDM6A c.643T>C (p.Tyr215His) results in a conservative amino acid change located in the Tetratricopeptide repeat-containing domain of the encoded protein sequence. Three of five in-silico tools predict a damaging effect of the variant on protein function. The variant allele was found at a frequency of 2.2e-05 in 182657 control chromosomes. The available data on variant occurrences in the general population are insufficient to allow any conclusion about variant significance. To our knowledge, no occurrence of c.643T>C in individuals affected with Kabuki Syndrome 2 and no experimental evidence demonstrating its impact on protein function have been reported. ClinVar contains an entry for this variant (Variation ID: 1304694). Based on the evidence outlined above, the variant was classified as uncertain significance.

Genetic Services Laboratory, University of Chicago
Classification: Uncertain significance. Last evaluated: 2023-02-09. Review status: criteria provided, single submitter. Criteria: ACMG Guidelines, 2015. Collection method: clinical testing. Allele origin: germline. Affected: no.
Comment: DNA sequence analysis of the KDM6A gene demonstrated a sequence change, c.643T>C, in exon 8 that results in an amino acid change, p.Tyr215His. This sequence change does not appear to have been previously described in individuals with KDM6A-related disorders. This sequence change has been described in the gnomAD database with a frequency of 0.002% in the overall population (dbSNP rs1402339766). The p.Tyr215His change affects a moderately conserved amino acid residue located in a domain of the KDM6A protein that is known to be functional. In-silico pathogenicity prediction tools (SIFT, PolyPhen2, Align GVGD, REVEL) provide contradictory results for the p.Tyr215His substitution. Due to insufficient evidence and the lack of functional studies, the clinical significance of the p.Tyr215His change remains unknown at this time.

GeneDx
Classification: Uncertain significance. Last evaluated: 2022-09-06. Review status: criteria provided, single submitter. Criteria: GeneDx Variant Classification Process June 2021. Collection method: clinical testing. Allele origin: germline. Affected: yes.
Comment: Has not been previously published as pathogenic or benign in association with a KDM6A-related disorder to our knowledge; In silico analysis supports that this missense variant has a deleterious effect on protein structure/function; This variant is associated with the following publications: (PMID: 34788984)

Literature cited by the submitters: PubMed 25225064 (cited by Women's Health and Genetics/Laboratory Corporation of America, LabCorp); PubMed 21828135 (cited by Women's Health and Genetics/Laboratory Corporation of America, LabCorp); PubMed 22377896 (cited by Women's Health and Genetics/Laboratory Corporation of America, LabCorp); PubMed 29479066 (cited by Women's Health and Genetics/Laboratory Corporation of America, LabCorp); PubMed 27276561 (cited by Women's Health and Genetics/Laboratory Corporation of America, LabCorp).